The following is an entry in ClinVar:

NM_000059.4(BRCA2):c.8707G>T (p.Glu2903Ter)

Gene: BRCA2 (BRCA2 DNA repair associated; plus strand). Cytogenetic location: 13q13.1.
Variant type: single nucleotide variant.
Coding change: c.8707G>T on transcript NM_000059.4 (MANE Select); coding-DNA position 8707, G replaced by T.
Protein change: p.Glu2903Ter; replaces glutamic acid 2903 with a stop codon.
Molecular consequence: nonsense.
Genome position (GRCh38, 1-based): chr13:32,376,744, G>T. VCF-style: chr13-32376744-G-T. GRCh37 (hg19) VCF-style: chr13-32950881-G-T.
Other names: short protein forms E2903*.
Identifiers: ClinVar variation 441312 (VCV000441312.10), dbSNP rs1555288166, ClinGen allele CA387754889.
Genomic context (GRCh38, chr13:32,376,744, plus strand): 5'-CCATATTTACCATCACGTGCACTAACAAGACAGCAAGTTCGTGCTTTGCAAGATGGTGCA[G>T]AGCTTTATGAAGCAGTGAAGAATGCAGCAGACCCAGCTTACCTTGAGGTGAGAGAGTAAG-3'

ClinVar aggregate classification (germline): Pathogenic. Review status: reviewed by expert panel (3 of 4 stars). 4 submissions from 4 submitters: Pathogenic (1). 3 of the submissions do not count toward it. Last evaluated 2017-12-15.

Conditions:
Breast-ovarian cancer, familial, susceptibility to, 2 (BROVCA2). Also called: BRCA2 Hereditary Breast and Ovarian Cancer. Identifiers: Orphanet 145, MedGen C2675520, MONDO:0012933, OMIM 612555. Disease mechanism: loss of function.
BRCA2-related cancer predisposition. Identifiers: MedGen CN377758, MONDO:0700269.
Hereditary cancer-predisposing syndrome. Also called: Neoplastic Syndromes, Hereditary; Hereditary Cancer Syndrome; Hereditary neoplastic syndrome; Tumor predisposition. Identifiers: Orphanet 140162, MedGen C0027672, MeSH D009386, MONDO:0015356.

Submissions (4):

Evidence-based Network for the Interpretation of Germline Mutant Alleles (ENIGMA)
Classification: Pathogenic for Breast-ovarian cancer, familial, susceptibility to, 2. Last evaluated: 2017-12-15. Review status: reviewed by expert panel. Criteria: ENIGMA BRCA1/2 Classification Criteria (2017-06-29). Collection method: curation. Allele origin: germline. Study: ENIGMA.
Comment: Variant allele predicted to encode a truncated non-functional protein.

Victorian Clinical Genetics Services, Murdoch Childrens Research Institute
Classification: Pathogenic for BRCA2-related cancer predisposition. Last evaluated: 2026-04-14. Review status: criteria provided, single submitter. Criteria: ACMG Guidelines, 2015. Collection method: clinical testing. Allele origin: germline. Not counted in ClinVar's aggregate classification.
Comment: This variant is classified as Pathogenic. Evidence in support of pathogenic classification: Variant is predicted to cause nonsense-mediated decay (NMD) and loss of protein (premature termination codon is located at least 54 nucleotides upstream of the final exon-exon junction); Variant is absent from gnomAD (both v2 and v3); This variant has strong previous evidence of pathogenicity in unrelated individuals. This variant has been reported as pathogenic by an expert panel (ClinVar), and observed in a single individual in a hereditary breast and ovarian cancer (HBOC) cohort (PMID: 24549055); Other NMD-predicted variants comparable to the one identified in this case have very strong previous evidence for pathogenicity (DECIPHER). Additional information: This variant is heterozygous; This gene is associated with both recessive and dominant disease. Predisposition to cancer follows an autosomal dominant inheritance pattern, while Fanconi anaemia (MIM#605724) is associated with autosomal recessive inheritance (OMIM, PMID: 14559878); Loss of function is a known mechanism of disease in this gene and is associated with Fanconi anaemia, complementation group D1 (MIM#605724) and predisposition to breast, ovarian, and other cancers (MIM#612555, MIM#114480, MIM#613029, MIM#155255, MIM#613347, MIM#176807, MIM#194070); The condition associated with this gene has incomplete penetrance. Incomplete penetrance for the cancer phenotypes caused by this gene are well reported (PMID: 15994883, 20301425).

Dasa
Classification: Pathogenic. Last evaluated: 2025-12-01. Review status: criteria provided, single submitter. Criteria: DASA Assertion Criteria. Collection method: clinical testing. Allele origin: germline. Not counted in ClinVar's aggregate classification.
Comment: NM_000059.4(BRCA2):c.8707G>T (p.Glu2903*) introduces a premature termination codon predicted to result in loss of normal protein function. Loss-of-function is an established mechanism of disease for this gene. The affected residue or protein region has prior evidence supporting clinical relevance. The variant is present at low frequency in population datasets. Based on the available data, this variant is classified as pathogenic.

Ambry Genetics
Classification: Pathogenic for Hereditary cancer-predisposing syndrome. Last evaluated: 2016-01-08. Review status: criteria provided, single submitter. Criteria: Ambry Variant Classification Scheme 2023. Collection method: clinical testing. Allele origin: germline. Not counted in ClinVar's aggregate classification.
Comment: The p.E2903* pathogenic mutation (also known as c.8707G>T), located in coding exon 20 of the BRCA2 gene, results from a G to T substitution at nucleotide position 8707. This changes the amino acid from a glutamic acid to a stop codon within coding exon 20. This mutation has been previously identified in an HBOC family (Cast&eacute;ra L, Eur. J. Hum. Genet. 2014 Nov; 22(11):1305-13). In addition to the clinical data presented in the literature, since premature stop codons are typically deleterious in nature, this alteration is interpreted as a disease-causing mutation (ACMG Recommendations for Standards for Interpretation and Reporting of Sequence Variations. Revision 2007. Genet Med. 2008;10:294).

Literature cited by the submitters: PubMed 24549055 (cited by Victorian Clinical Genetics Services, Murdoch Childrens Research Institute and Ambry Genetics); PubMed 14559878 (cited by Victorian Clinical Genetics Services, Murdoch Childrens Research Institute); PubMed 15994883 (cited by Victorian Clinical Genetics Services, Murdoch Childrens Research Institute); PubMed 20301425 (cited by Victorian Clinical Genetics Services, Murdoch Childrens Research Institute).